The following is an entry in ClinVar:

NM_005120.3(MED12):c.1640C>G (p.Ala547Gly)

Genes: MED12 (mediator complex subunit 12; plus strand), LOC126863275 (BRD4-independent group 4 enhancer GRCh37_chrX:70342400-70343599; plus strand). Cytogenetic location: Xq13.1.
Variant type: single nucleotide variant.
Coding change: c.1640C>G on transcript NM_005120.3 (MANE Select); coding-DNA position 1640, C replaced by G.
Protein change: p.Ala547Gly; replaces alanine 547 with glycine.
Molecular consequence: missense variant.
Genome position (GRCh38, 1-based): chrX:71,123,616, C>G. VCF-style: chrX-71123616-C-G. GRCh37 (hg19) VCF-style: chrX-70343466-C-G.
Other names: short protein forms A547G.
Identifiers: ClinVar variation 3359691 (VCV003359691.1).

ClinVar aggregate classification (germline): Uncertain significance (1 of 4 stars; one submission).

Submission:

GeneDx
Classification: Uncertain significance. Last evaluated: 2023-06-09. Review status: criteria provided, single submitter. Criteria: GeneDx Variant Classification Process June 2021. Collection method: clinical testing. Allele origin: germline. Affected: yes.
Comment: Not observed at significant frequency in large population cohorts (gnomAD); In silico analysis supports that this missense variant does not alter protein structure/function; Has not been previously published as pathogenic or benign to our knowledge